The following is an entry in ClinVar:

NM_014875.3(KIF14):c.2180_2181del (p.Lys727fs)

Gene: KIF14 (kinesin family member 14; minus strand). Cytogenetic location: 1q32.1.
Variant type: Deletion.
Coding change: c.2180_2181del on transcript NM_014875.3 (MANE Select); coding-DNA positions 2180 to 2181, 2 bases deleted (AA; older notation c.2180_2181delAA).
Protein change: p.Lys727fs; shifts the reading frame from lysine 727.
Molecular consequence: frameshift variant.
Genome position (GRCh38, 1-based): chr1:200,600,475-200,600,476, TT deleted on the plus strand (AA on the coding strand, the reverse complement: KIF14 is on the minus strand); deleting any 2 consecutive bases within chr1:200,600,475-200,600,478 gives the same sequence; the c. name uses the placement nearest the transcript's 3' end. VCF-style (leftmost placement, unchanged base first): chr1-200600474-CTT-C. GRCh37 (hg19) VCF-style: chr1-200569602-CTT-C.
Other names: c.707_708del, p.Lys236fs (NM_001305792.1); short protein forms K236fs, K727fs.
Identifiers: ClinVar variation 4813491 (VCV004813491.1).
Genomic context (GRCh38, chr1:200,600,474, plus strand): 5'-TTTCTTGCCGACAGAGCCTGTATCGTTCAGGGTCAATATTCCGACTGTTTCTCTGAGCAG[CTT>C]TTAGCTTTGCAATTTCTGCCTTCAATTCTGAAGATTTATACAAAGATGCATTAATAATAA-3'

ClinVar aggregate classification (germline): Likely pathogenic (1 of 4 stars; one submission).

Conditions:
Lethal fetal cerebrorenogenitourinary agenesis/hypoplasia syndrome. Also called: Meckel syndrome 12. Identifiers: Orphanet 439897, MedGen C4015701, MONDO:0014552, OMIM 616258.

Submission:

MVZ Praenatalmedizin und Genetik Nuernberg
Classification: Likely pathogenic for Lethal fetal cerebrorenogenitourinary agenesis/hypoplasia syndrome. Last evaluated: 2023-05-26. Review status: criteria provided, single submitter. Criteria: ACMG Guidelines, 2015. Collection method: clinical testing. Allele origin: maternal. Affected: yes.
Comment: The variant exon 12 of KIF14 leads to a shift in the reading frame and, consequently, probably to premature degradation of the mRNA (nonsense-mediated decay, NMD) or to premature truncation of the protein (p.(Lys727Serfs*10)). The variant has not been described in gnomAD, ClinVar or the literature. Loss-of-function is a typical pathomechanism of KIF14 alterations. In summary, based on the current data, we assess this to be a likely pathogenic alteration.